The following is an entry in ClinVar:

NM_000176.3(NR3C1):c.*1880A>G

Gene: NR3C1 (nuclear receptor subfamily 3 group C member 1; minus strand). Cytogenetic location: 5q31.3.
Variant type: single nucleotide variant.
Coding change: c.*1880A>G on transcript NM_000176.3 (MANE Select); 1880 bases downstream of the stop codon, A replaced by G.
Molecular consequence: 3 prime UTR variant. On other transcripts: non-coding transcript variant (1), intron variant (1).
Genome position (GRCh38, 1-based): chr5:143,280,009, T>C on the plus strand (A>G on the coding strand, the complement: NR3C1 is on the minus strand). VCF-style: chr5-143280009-T-C. GRCh37 (hg19) VCF-style: chr5-142659574-T-C.
Other names: c.*1880A>G (NM_001018074.1, NM_001018075.1, NM_001018076.2 and 15 more transcripts); c.2182-598A>G (NM_001020825.2).
Identifiers: ClinVar variation 906539 (VCV000906539.4), dbSNP rs10043662, ClinGen allele CA129252017.

ClinVar aggregate classification (germline): Likely benign (1 of 4 stars; one submission).

Conditions:
Glucocorticoid resistance. Also called: Glucocorticoid resistance, generalized; Gccr deficiency; Glucocorticoid receptor deficiency; Cortisol resistance from glucocorticoid receptor defect; Gcr deficiency. Identifiers: Orphanet 786, MedGen C1841972, MONDO:0014421, OMIM 615962.

Allele frequency attached by ClinVar (database versions not stated): 1000 Genomes Project 0.00339; 1000 Genomes Project 30x 0.00359; gnomAD 0.00428 and 0.00459; TOPMed 0.00459.

Submission:

Illumina Laboratory Services, Illumina
Classification: Likely benign for Glucocorticoid resistance. Last evaluated: 2017-10-30. Review status: criteria provided, single submitter. Criteria: ICSL Variant Classification Criteria 13 December 2019. Collection method: clinical testing. Allele origin: germline.
Comment: This variant was observed as part of a predisposition screen in an ostensibly healthy population. A literature search was performed for the gene, cDNA change, and amino acid change (where applicable). No publications were found based on this search. Allele frequency data from public databases allowed determination this variant is unlikely to cause disease. Therefore, this variant is classified as likely benign.